The following is an entry in ClinVar:

NM_022356.4(P3H1):c.1720+286T>C

Gene: P3H1 (prolyl 3-hydroxylase 1; minus strand). Cytogenetic location: 1p34.2.
Variant type: single nucleotide variant.
Coding change: c.1720+286T>C on transcript NM_022356.4 (MANE Select); 286 bases into the intron after coding-DNA position 1720, T replaced by C.
Molecular consequence: intron variant.
Genome position (GRCh38, 1-based): chr1:42,749,900, A>G on the plus strand (T>C on the coding strand, the complement: P3H1 is on the minus strand). VCF-style: chr1-42749900-A-G. GRCh37 (hg19) VCF-style: chr1-43215571-A-G.
Other names: c.1720+286T>C (NM_001146289.2, NM_001243246.2).
Identifiers: ClinVar variation 667663 (VCV000667663.2), dbSNP rs1018572, ClinGen allele CA21242212.

ClinVar aggregate classification (germline): Benign. Review status: criteria provided, multiple submitters, no conflicts (2 of 4 stars). 2 submissions from 2 submitters: Benign (2). Last evaluated 2018-06-19.

Allele frequency attached by ClinVar (database versions not stated): gnomAD exomes 0.98429; gnomAD 0.98681 and 0.98702; TOPMed 0.98953; 1000 Genomes Project 30x 0.99329; 1000 Genomes Project 0.99341.
gnomAD v4.1: 449,327 of 456,066 alleles (99%); highest among the groups gnomAD compares: East Asian, 100%; 221,377 homozygotes.

Submissions (2):

GeneDx
Classification: Benign. Last evaluated: 2018-06-19. Review status: criteria provided, single submitter. Criteria: GeneDx Variant Classification (06012015). Collection method: clinical testing. Allele origin: germline. Affected: yes.
Comment: This variant is considered likely benign or benign based on one or more of the following criteria: it is a conservative change, it occurs at a poorly conserved position in the protein, it is predicted to be benign by multiple in silico algorithms, and/or has population frequency not consistent with disease.

Breakthrough Genomics
Classification: Benign. Review status: criteria provided, single submitter. Criteria: ACMG Guidelines, 2015. Collection method: not provided. Allele origin: germline. Inheritance: Autosomal recessive inheritance. Affected: yes.